The following is an entry in ClinVar:

NM_000091.5(COL4A3):c.687+1G>A

Genes: MFF-DT (MFF divergent transcript; minus strand), COL4A3 (collagen type IV alpha 3 chain; plus strand). Cytogenetic location: 2q36.3.
Variant type: single nucleotide variant.
Coding change: c.687+1G>A on transcript NM_000091.5 (MANE Select); the canonical splice donor site of the intron after coding-DNA position 687, G replaced by A.
Molecular consequence: splice donor variant.
Genome position (GRCh38, 1-based): chr2:227,253,338, G>A. VCF-style: chr2-227253338-G-A. GRCh37 (hg19) VCF-style: chr2-228118054-G-A.
Identifiers: ClinVar variation 3894556 (VCV003894556.1).

ClinVar aggregate classification (germline): Pathogenic (1 of 4 stars; one submission).

Conditions:
Autosomal dominant Alport syndrome (ATS3A). Also called: ALPORT SYNDROME 3A, AUTOSOMAL DOMINANT; Alport syndrome dominant type; Renal failure and sensorineural hearing loss. Identifiers: Orphanet 63, Orphanet 88918, MedGen C5882663, MONDO:0007086, OMIM 104200.

gnomAD v4.1: 1 of 1,613,514 alleles (0.000062%); highest among the groups gnomAD compares: African/African-American, 0.0013%; no homozygotes.

Submission:

MVZ Medizinische Genetik Mainz
Classification: Pathogenic for Autosomal dominant Alport syndrome. Last evaluated: 2025-03-25. Review status: criteria provided, single submitter. Criteria: UK Practice Guidelines For Variant Classification V4 01 2020. Collection method: clinical testing. Allele origin: germline. Inheritance: Autosomal dominant inheritance. Affected: yes. Observed: 1 variant allele.
Comment: ACMG Criteria: PVS1,PS1_SUP,PM2_SUP